The following is an entry in ClinVar:

NM_021120.4(DLG3):c.1972+1G>A

Gene: DLG3 (discs large MAGUK scaffold protein 3; plus strand). Cytogenetic location: Xq13.1.
Variant type: single nucleotide variant.
Coding change: c.1972+1G>A on transcript NM_021120.4 (MANE Select); the canonical splice donor site of the intron after coding-DNA position 1972, G replaced by A.
Molecular consequence: splice donor variant.
Genome position (GRCh38, 1-based): chrX:70,499,278, G>A. VCF-style: chrX-70499278-G-A. GRCh37 (hg19) VCF-style: chrX-69719128-G-A.
Other names: NC_000023.10:g.69719128G>A; c.1057+1G>A (NM_020730.3); c.619+1G>A (NM_001166278.2).
Identifiers: ClinVar variation 3024274 (VCV003024274.2), dbSNP rs2519885015, ClinGen allele CA413460641.
Genomic context (GRCh38, chrX:70,499,278, plus strand): 5'-ACCGAGTCAATGATGACCTGATCTCCGAATTTCCACATAAATTTGGATCCTGTGTGCCAC[G>A]TAAGAGTCCAGGAAGGCCCAGAGGAGTGAGGCTTGGTGCCCTGGGAATTGTTGCTCTAAT-3'

ClinVar aggregate classification (germline): Conflicting classifications of pathogenicity. Review status: criteria provided, conflicting classifications (1 of 4 stars). 2 submissions from 2 submitters: Likely pathogenic (1); Uncertain significance (1).

Conditions:
Intellectual developmental disorder, X-linked 90. Also called: DLG3-Related X-Linked Nonsyndromic Mental Retardation; Intellectual disability, X-linked 90. Identifiers: Orphanet 777, MedGen C3275443, MONDO:0010452, OMIM 300850.

Submissions (3):

Molecular Genetics Department, Kulakov National Medical Research Center for Obstetrics, Gynecology and Perinatology
Classification: Likely pathogenic for Intellectual developmental disorder, X-linked 90. Review status: criteria provided, single submitter. Criteria: ACMG Guidelines, 2015. Collection method: clinical testing. Allele origin: germline. Affected: yes. Observed: 1 variant allele.
Comment: A previously undescribed hemizygous nucleotide variant creates an alteration of the canonical splice site c.1972+1G>A in the DLG3 gene. Hemizygous and heterozygous variants are reported in patients with intellectual developmental disorder, x-linked 90, 300850. The variant is not present in population database (gnomAD no frequency). In summary, the currently available evidence indicates that the variant is pathogenic, but additional data are needed to prove that conclusively. Therefore, this variant has been classified as likely pathogenic.

Molecular Genetics Lab, CHRU Brest
Classification: Uncertain significance for Intellectual developmental disorder, X-linked 90. Review status: criteria provided, single submitter. Criteria: ACMG Guidelines, 2015. Collection method: clinical testing. Allele origin: paternal. Affected: yes.

Dr. Peter K. Rogan Lab, Western University
No classification provided (evidence only). Condition: Thyroid cancer, nonmedullary, 1. Review status: no classification provided. Collection method: in vitro. Allele origin: not applicable. Functional consequence: retained intron. Not counted in ClinVar's aggregate classification.